The following is an entry in ClinVar:

ClinVar aggregate classification (germline): Uncertain significance. Review status: criteria provided, multiple submitters, no conflicts (2 of 4 stars). 2 submissions from 2 submitters: Uncertain significance (2). Last evaluated 2026-06-02.

Allele frequency attached by ClinVar (database versions not stated): gnomAD 0.00002; gnomAD exomes 0.00002; TOPMed 0.00002; ExAC 0.00006.
gnomAD v4.1: 33 of 1,614,082 alleles (0.002%); highest among the groups gnomAD compares: South Asian, 0.0077%; no homozygotes.

Submissions (2):

GeneDx
Classification: Uncertain significance. Last evaluated: 2026-06-02. Review status: criteria provided, single submitter. Criteria: GeneDx Variant Classification Process June 2021. Collection method: clinical testing. Allele origin: germline.
Comment: In silico analysis suggests that this missense variant does not alter protein structure/function; Has not been previously published as pathogenic or benign to our knowledge

Labcorp Genetics (formerly Invitae), Labcorp
Classification: Uncertain significance. Last evaluated: 2022-03-04. Review status: criteria provided, single submitter. Criteria: Invitae Variant Classification Sherloc (09022015). Collection method: clinical testing. Allele origin: germline.
Comment: This sequence change replaces arginine, which is basic and polar, with glutamine, which is neutral and polar, at codon 229 of the RARS2 protein (p.Arg229Gln). This variant is present in population databases (rs747644029, gnomAD 0.02%). This variant has not been reported in the literature in individuals affected with RARS2-related conditions. Advanced modeling of protein sequence and biophysical properties (such as structural, functional, and spatial information, amino acid conservation, physicochemical variation, residue mobility, and thermodynamic stability) performed at Invitae indicates that this missense variant is not expected to disrupt RARS2 protein function. In summary, the available evidence is currently insufficient to determine the role of this variant in disease. Therefore, it has been classified as a Variant of Uncertain Significance.

NM_020320.5(RARS2):c.686G>A (p.Arg229Gln)

Gene: RARS2 (arginyl-tRNA synthetase 2, mitochondrial; minus strand). Cytogenetic location: 6q15.
Variant type: single nucleotide variant.
Coding change: c.686G>A on transcript NM_020320.5 (MANE Select); coding-DNA position 686, G replaced by A.
Protein change: p.Arg229Gln; replaces arginine 229 with glutamine.
Molecular consequence: missense variant. On other transcripts: non-coding transcript variant (23).
Genome position (GRCh38, 1-based): chr6:87,530,869, C>T on the plus strand (G>A on the coding strand, the complement: RARS2 is on the minus strand). VCF-style: chr6-87530869-C-T. GRCh37 (hg19) VCF-style: chr6-88240587-C-T.
Other names: c.161G>A, p.Arg54Gln (NM_001318785.2, NM_001350506.2, NM_001350507.2 and 4 more transcripts); c.686G>A, p.Arg229Gln (NM_001350505.2); c.686G>A (NM_020320.3); short protein forms R229Q, R54Q.
Identifiers: ClinVar variation 2142466 (VCV002142466.3), dbSNP rs747644029, ClinGen allele CA3916551.